The following is an entry in ClinVar:

NM_005732.4(RAD50):c.3137G>C (p.Gly1046Ala)

Gene: RAD50 (RAD50 double strand break repair protein; plus strand). Cytogenetic location: 5q31.1.
Variant type: single nucleotide variant.
Coding change: c.3137G>C on transcript NM_005732.4 (MANE Select); coding-DNA position 3137, G replaced by C.
Protein change: p.Gly1046Ala; replaces glycine 1046 with alanine.
Molecular consequence: missense variant.
Genome position (GRCh38, 1-based): chr5:132,616,103, G>C. VCF-style: chr5-132616103-G-C. GRCh37 (hg19) VCF-style: chr5-131951795-G-C.
Other names: short protein forms G1046A.
Identifiers: ClinVar variation 486235 (VCV000486235.13), dbSNP rs552846176, ClinGen allele CA3405520.

ClinVar aggregate classification (germline): Uncertain significance. Review status: criteria provided, multiple submitters, no conflicts (2 of 4 stars). 2 submissions from 2 submitters: Uncertain significance (2). Last evaluated 2025-07-30.

Conditions:
Hereditary cancer-predisposing syndrome. Also called: Tumor predisposition; Hereditary Cancer Syndrome; Hereditary neoplastic syndrome; Neoplastic Syndromes, Hereditary. Identifiers: Orphanet 140162, MedGen C0027672, MeSH D009386, MONDO:0015356.

Allele frequency attached by ClinVar (database versions not stated): gnomAD exomes below 0.00001; TOPMed below 0.00001; ExAC 0.00001; gnomAD 0.00002.
gnomAD v4.1: 4 of 1,612,962 alleles (0.00025%); highest among the groups gnomAD compares: Non-Finnish European, 0.00034%; no homozygotes.

Submissions (2):

Labcorp Genetics (formerly Invitae), Labcorp
Classification: Uncertain significance for Hereditary cancer-predisposing syndrome. Last evaluated: 2025-07-30. Review status: criteria provided, single submitter. Criteria: Invitae Variant Classification Sherloc (09022015). Collection method: clinical testing. Allele origin: germline.
Comment: This sequence change replaces glycine, which is neutral and non-polar, with alanine, which is neutral and non-polar, at codon 1046 of the RAD50 protein (p.Gly1046Ala). This variant is present in population databases (rs552846176, gnomAD 0.0009%). This missense change has been observed in individual(s) with head and neck squamous cell carcinoma (PMID: 26689913). ClinVar contains an entry for this variant (Variation ID: 486235). Invitae Evidence Modeling of protein sequence and biophysical properties (such as structural, functional, and spatial information, amino acid conservation, physicochemical variation, residue mobility, and thermodynamic stability) indicates that this missense variant is not expected to disrupt RAD50 protein function with a negative predictive value of 80%. In summary, the available evidence is currently insufficient to determine the role of this variant in disease. Therefore, it has been classified as a Variant of Uncertain Significance.

Ambry Genetics
Classification: Uncertain significance for Hereditary cancer-predisposing syndrome. Last evaluated: 2025-01-25. Review status: criteria provided, single submitter. Criteria: Ambry Variant Classification Scheme 2023. Collection method: clinical testing. Allele origin: germline.
Comment: The p.G1046A variant (also known as c.3137G>C), located in coding exon 20 of the RAD50 gene, results from a G to C substitution at nucleotide position 3137. The glycine at codon 1046 is replaced by alanine, an amino acid with similar properties. This amino acid position is highly conserved in available vertebrate species. In addition, the in silico prediction for this alteration is inconclusive. Since supporting evidence is limited at this time, the clinical significance of this alteration remains unclear.

Literature cited by the submitters: PubMed 26689913 (cited by Labcorp Genetics (formerly Invitae), Labcorp).